The following is an entry in ClinVar:

ClinVar aggregate classification (germline): Uncertain significance (1 of 4 stars; one submission).

Submission:

GeneDx
Classification: Uncertain significance. Last evaluated: 2024-03-08. Review status: criteria provided, single submitter. Criteria: GeneDx Variant Classification Process June 2021. Collection method: clinical testing. Allele origin: germline. Affected: yes.
Comment: Not observed at significant frequency in large population cohorts (gnomAD); In silico analysis supports that this missense variant does not alter protein structure/function; Has not been previously published as pathogenic or benign to our knowledge

NM_006766.5(KAT6A):c.3670A>G (p.Lys1224Glu)

Gene: KAT6A (lysine acetyltransferase 6A; minus strand). Cytogenetic location: 8p11.21.
Variant type: single nucleotide variant.
Coding change: c.3670A>G on transcript NM_006766.5 (MANE Select); coding-DNA position 3670, A replaced by G.
Protein change: p.Lys1224Glu; replaces lysine 1224 with glutamic acid.
Molecular consequence: missense variant.
Genome position (GRCh38, 1-based): chr8:41,934,550, T>C on the plus strand (A>G on the coding strand, the complement: KAT6A is on the minus strand). VCF-style: chr8-41934550-T-C. GRCh37 (hg19) VCF-style: chr8-41792068-T-C.
Other names: short protein forms K1224E.
Identifiers: ClinVar variation 3373449 (VCV003373449.1).